The following is an entry in ClinVar:

NM_017763.6(RNF43):c.619G>A (p.Gly207Ser)

Gene: RNF43 (ring finger protein 43; minus strand). Cytogenetic location: 17q22.
Variant type: single nucleotide variant.
Coding change: c.619G>A on transcript NM_017763.6 (MANE Select); coding-DNA position 619, G replaced by A.
Protein change: p.Gly207Ser; replaces glycine 207 with serine.
Molecular consequence: missense variant.
Genome position (GRCh38, 1-based): chr17:58,362,612, C>T on the plus strand (G>A on the coding strand, the complement: RNF43 is on the minus strand). VCF-style: chr17-58362612-C-T. GRCh37 (hg19) VCF-style: chr17-56439973-C-T.
Other names: c.619G>A, p.Gly207Ser (NM_001305544.3); c.238G>A, p.Gly80Ser (NM_001305545.2); short protein forms G80S, G207S.
Identifiers: ClinVar variation 3946914 (VCV003946914.2).

ClinVar aggregate classification (germline): Uncertain significance. Review status: criteria provided, multiple submitters, no conflicts (2 of 4 stars). 2 submissions from 2 submitters: Uncertain significance (2). Last evaluated 2025-05-24.

Submissions (2):

Ambry Genetics
Classification: Uncertain significance. Last evaluated: 2025-05-24. Review status: criteria provided, single submitter. Criteria: Ambry Variant Classification Scheme 2023. Collection method: clinical testing. Allele origin: germline.
Comment: The p.G207S variant (also known as c.619G>A), located in coding exon 5 of the RNF43 gene, results from a G to A substitution at nucleotide position 619. The glycine at codon 207 is replaced by serine, an amino acid with similar properties. This amino acid position is conserved. In addition, this alteration is predicted to be tolerated by in silico analysis. Based on the available evidence, the clinical significance of this variant remains unclear.

Labcorp Genetics (formerly Invitae), Labcorp
Classification: Uncertain significance. Last evaluated: 2025-04-17. Review status: criteria provided, single submitter. Criteria: Invitae Variant Classification Sherloc (09022015). Collection method: clinical testing. Allele origin: germline.
Comment: This sequence change replaces glycine, which is neutral and non-polar, with serine, which is neutral and polar, at codon 207 of the RNF43 protein (p.Gly207Ser). This variant is not present in population databases (gnomAD no frequency). This variant has not been reported in the literature in individuals affected with RNF43-related conditions. An algorithm developed to predict the effect of missense changes on protein structure and function (PolyPhen-2) suggests that this variant is likely to be tolerated. In summary, the available evidence is currently insufficient to determine the role of this variant in disease. Therefore, it has been classified as a Variant of Uncertain Significance.